The following is an entry in ClinVar:

ClinVar aggregate classification (germline): Uncertain significance (1 of 4 stars; one submission).

Allele frequency attached by ClinVar (database versions not stated): gnomAD exomes below 0.00001; TOPMed below 0.00001.
gnomAD v4.1: 4 of 1,611,970 alleles (0.00025%); highest among the groups gnomAD compares: African/African-American, 0.0053%; no homozygotes.

Submission:

Labcorp Genetics (formerly Invitae), Labcorp
Classification: Uncertain significance. Last evaluated: 2024-10-15. Review status: criteria provided, single submitter. Criteria: Invitae Variant Classification Sherloc (09022015). Collection method: clinical testing. Allele origin: germline.
Comment: This sequence change replaces glycine, which is neutral and non-polar, with alanine, which is neutral and non-polar, at codon 494 of the SKIV2L protein (p.Gly494Ala). This variant is not present in population databases (gnomAD no frequency). This variant has not been reported in the literature in individuals affected with SKIV2L-related conditions. ClinVar contains an entry for this variant (Variation ID: 1467911). An algorithm developed to predict the effect of missense changes on protein structure and function (PolyPhen-2) suggests that this variant is likely to be disruptive. In summary, the available evidence is currently insufficient to determine the role of this variant in disease. Therefore, it has been classified as a Variant of Uncertain Significance.

NM_006929.5(SKIC2):c.1481G>C (p.Gly494Ala)

Gene: SKIC2 (SKI2 subunit of superkiller complex; plus strand). Cytogenetic location: 6p21.33.
Variant type: single nucleotide variant.
Coding change: c.1481G>C on transcript NM_006929.5 (MANE Select); coding-DNA position 1481, G replaced by C.
Protein change: p.Gly494Ala; replaces glycine 494 with alanine.
Molecular consequence: missense variant.
Genome position (GRCh38, 1-based): chr6:31,963,490, G>C. VCF-style: chr6-31963490-G-C. GRCh37 (hg19) VCF-style: chr6-31931267-G-C.
Other names: short protein forms G494A.
Identifiers: ClinVar variation 1467911 (VCV001467911.5), dbSNP rs1414100535, ClinGen allele CA363457260.